The following is an entry in ClinVar:

NM_007186.6(CEP250):c.3474C>A (p.Ser1158Arg)

Gene: CEP250 (centrosomal protein 250; plus strand). Cytogenetic location: 20q11.22.
Variant type: single nucleotide variant.
Coding change: c.3474C>A on transcript NM_007186.6 (MANE Select); coding-DNA position 3474, C replaced by A.
Protein change: p.Ser1158Arg; replaces serine 1158 with arginine.
Molecular consequence: missense variant.
Genome position (GRCh38, 1-based): chr20:35,497,886, C>A. VCF-style: chr20-35497886-C-A. GRCh37 (hg19) VCF-style: chr20-34085715-C-A.
Other names: c.1578C>A, p.Ser526Arg (NM_001318219.1); c.3474C>A (NM_007186.3); short protein forms S1158R, S526R.
Identifiers: ClinVar variation 1419973 (VCV001419973.7), dbSNP rs765946133, ClinGen allele CA408744265.
Genomic context (GRCh38, chr20:35,497,886, plus strand): 5'-GCGAGCCTCCTTGTGGGCCCAGGAAGCCAAGGCAGCCCAACTACAGCTGCGACTGCGCAG[C>A]ACAGAGAGCCAGCTAGAAGCGCTGGCCGCAGAGCAGCAGCCCGGGAACCAGGCCCAGGCC-3'
Protein context (NP_009117.2, residues 1148-1168): KAAQLQLRLR[Ser1158Arg]TESQLEALAA

ClinVar aggregate classification (germline): Uncertain significance. Review status: criteria provided, multiple submitters, no conflicts (2 of 4 stars). 3 submissions from 3 submitters: Uncertain significance (3). Last evaluated 2025-08-14.

Allele frequency attached by ClinVar (database versions not stated): gnomAD 0.00003; TOPMed 0.00008.
gnomAD v4.1: 6 of 1,604,836 alleles (0.00037%); highest among the groups gnomAD compares: Admixed American, 0.0069%; no homozygotes.

Submissions (3):

Ambry Genetics
Classification: Uncertain significance. Last evaluated: 2025-08-14. Review status: criteria provided, single submitter. Criteria: Ambry Variant Classification Scheme 2023. Collection method: clinical testing. Allele origin: germline.

Labcorp Genetics (formerly Invitae), Labcorp
Classification: Uncertain significance. Last evaluated: 2024-10-26. Review status: criteria provided, single submitter. Criteria: Invitae Variant Classification Sherloc (09022015). Collection method: clinical testing. Allele origin: germline.
Comment: This sequence change replaces serine with arginine at codon 1158 of the CEP250 protein (p.Ser1158Arg). The serine residue is moderately conserved and there is a moderate physicochemical difference between serine and arginine. This variant is not present in population databases (gnomAD no frequency). This variant has not been reported in the literature in individuals affected with CEP250-related conditions. ClinVar contains an entry for this variant (Variation ID: 1419973). An algorithm developed to predict the effect of missense changes on protein structure and function (PolyPhen-2) suggests that this variant is likely to be disruptive. In summary, the available evidence is currently insufficient to determine the role of this variant in disease. Therefore, it has been classified as a Variant of Uncertain Significance.

Blueprint Genetics
Classification: Uncertain significance. Last evaluated: 2021-08-17. Review status: criteria provided, single submitter. Criteria: ACMG Guidelines, 2015. Collection method: clinical testing. Allele origin: germline.